The following is an entry in ClinVar:

NM_004239.4(TRIP11):c.5575-250G>A

Gene: TRIP11 (thyroid hormone receptor interactor 11; minus strand). Cytogenetic location: 14q32.12.
Variant type: single nucleotide variant.
Coding change: c.5575-250G>A on transcript NM_004239.4 (MANE Select); 250 bases into the intron before coding-DNA position 5575, G replaced by A.
Molecular consequence: intron variant.
Genome position (GRCh38, 1-based): chr14:91,973,111, C>T on the plus strand (G>A on the coding strand, the complement: TRIP11 is on the minus strand). VCF-style: chr14-91973111-C-T. GRCh37 (hg19) VCF-style: chr14-92439455-C-T.
Other names: c.5572-250G>A (NM_001321851.1).
Identifiers: ClinVar variation 667811 (VCV000667811.1), dbSNP rs2295163, ClinGen allele CA13968786.

ClinVar aggregate classification (germline): Benign (1 of 4 stars; one submission).

Allele frequency attached by ClinVar (database versions not stated): 1000 Genomes Project 30x 0.26280; 1000 Genomes Project 0.26637; TOPMed 0.27251; gnomAD 0.28228 and 0.28505.
gnomAD v4.1: 43,020 of 150,838 alleles (29%); highest among the groups gnomAD compares: Middle Eastern, 34%; 6,412 homozygotes.

Submission:

GeneDx
Classification: Benign. Last evaluated: 2018-06-14. Review status: criteria provided, single submitter. Criteria: GeneDx Variant Classification (06012015). Collection method: clinical testing. Allele origin: germline. Affected: yes.
Comment: This variant is considered likely benign or benign based on one or more of the following criteria: it is a conservative change, it occurs at a poorly conserved position in the protein, it is predicted to be benign by multiple in silico algorithms, and/or has population frequency not consistent with disease.